The following is an entry in ClinVar:

ClinVar aggregate classification (germline): Benign/Likely benign. Review status: criteria provided, multiple submitters, no conflicts (2 of 4 stars). 4 submissions from 4 submitters: Benign (1); Likely benign (3). Last evaluated 2025-08-17.

Conditions:
Fanconi anemia complementation group J. Also called: BRIP1-Related Fanconi Anemia. Identifiers: Orphanet 84, MedGen C1836860, MONDO:0012187, OMIM 609054.
Familial cancer of breast. Also called: BREAST CANCER, FAMILIAL; Hereditary breast cancer; hereditary breast carcinoma. Identifiers: Orphanet 227535, MedGen C0346153, MONDO:0016419, OMIM 114480. Disease mechanism: loss of function.

Allele frequency attached by ClinVar (database versions not stated): gnomAD exomes below 0.00001.
gnomAD v4.1: 1 of 1,613,704 alleles (0.000062%); highest among the groups gnomAD compares: Non-Finnish European, 0.000085%; no homozygotes.

Submissions (4):

Labcorp Genetics (formerly Invitae), Labcorp
Classification: Likely benign for Familial cancer of breast; Fanconi anemia complementation group J. Last evaluated: 2025-08-17. Review status: criteria provided, single submitter. Criteria: Invitae Variant Classification Sherloc (09022015). Collection method: clinical testing. Allele origin: germline.

Women's Health and Genetics/Laboratory Corporation of America, LabCorp
Classification: Likely benign. Last evaluated: 2025-04-16. Review status: criteria provided, single submitter. Criteria: LabCorp Variant Classification Summary - May 2015. Collection method: clinical testing. Allele origin: germline.

Myriad Genetics, Inc.
Classification: Likely benign for Familial cancer of breast. Last evaluated: 2024-08-21. Review status: criteria provided, single submitter. Criteria: Myriad Autosomal Dominant, Autosomal Recessive and X-Linked Classification Criteria (2023). Collection method: clinical testing. Allele origin: unknown.
Comment: This variant is considered likely benign. This variant is intronic and is not expected to impact mRNA splicing.

GeneDx
Classification: Benign. Last evaluated: 2015-09-11. Review status: criteria provided, single submitter. Criteria: GeneDx Variant Classification Process June 2021. Collection method: clinical testing. Allele origin: germline. Affected: yes.

NM_032043.3(BRIP1):c.508-8G>A

Gene: BRIP1 (BRCA1 interacting DNA helicase 1; minus strand). Cytogenetic location: 17q23.2.
Variant type: single nucleotide variant.
Coding change: c.508-8G>A on transcript NM_032043.3 (MANE Select); 8 bases into the intron before coding-DNA position 508, G replaced by A.
Molecular consequence: intron variant.
Genome position (GRCh38, 1-based): chr17:61,847,228, C>T on the plus strand (G>A on the coding strand, the complement: BRIP1 is on the minus strand). VCF-style: chr17-61847228-C-T. GRCh37 (hg19) VCF-style: chr17-59924589-C-T.
Identifiers: ClinVar variation 714115 (VCV000714115.17), dbSNP rs202074040, ClinGen allele CA292277737.